The following is an entry in ClinVar:

NM_007332.3(TRPA1):c.1860del (p.Lys620fs)

Genes: TRPA1 (transient receptor potential cation channel subfamily A member 1; minus strand), MSC-AS1 (MSC antisense RNA 1; plus strand). Cytogenetic location: 8q21.11.
Variant type: Deletion.
Coding change: c.1860del on transcript NM_007332.3 (MANE Select); coding-DNA position 1860, one base deleted (A; older notation c.1860delA).
Protein change: p.Lys620fs; shifts the reading frame from lysine 620.
Molecular consequence: frameshift variant.
Genome position (GRCh38, 1-based): chr8:72,050,823, T deleted on the plus strand (A on the coding strand, the reverse complement: TRPA1 is on the minus strand); the first of 3 consecutive T bases (chr8:72,050,823-72,050,825); deleting any one gives the same sequence. VCF-style (leftmost placement, unchanged base first): chr8-72050822-AT-A. GRCh37 (hg19) VCF-style: chr8-72963057-AT-A.
Other names: short protein forms K620fs.
Identifiers: ClinVar variation 2499075 (VCV002499075.28), dbSNP rs745873779, ClinGen allele CA4780753.

ClinVar aggregate classification (germline): Uncertain significance (1 of 4 stars; one submission).

Submission:

CeGaT Center for Human Genetics Tuebingen
Classification: Uncertain significance. Last evaluated: 2023-01-01. Review status: criteria provided, single submitter. Criteria: CeGaT Center For Human Genetics Tuebingen Variant Classification Criteria Version 2. Collection method: clinical testing. Allele origin: germline. Affected: yes. Observed: 1 variant allele.
Comment: TRPA1: PM2